The following is an entry in ClinVar:

ClinVar aggregate classification (germline): Conflicting classifications of pathogenicity. Review status: criteria provided, conflicting classifications (1 of 4 stars). 3 submissions from 3 submitters: Uncertain significance (1); Likely benign (2). Last evaluated 2026-02-01.

Conditions:
Autosomal recessive nonsyndromic hearing loss 4 (DFNB4). Also called: Nonsyndromic enlarged vestibular aqueduct (NSEVA); Deafness, autosomal recessive 4, with enlarged vestibular aqueduct; NEUROSENSORY NONSYNDROMIC RECESSIVE DEAFNESS 4; FOXI1-Related Pendred Syndrome; KCNJ10-Related Pendred Syndrome; DEAFNESS, AUTOSOMAL RECESSIVE 4, WITH ENLARGED VESTIBULAR AQUEDUCT, DIGENIC. Identifiers: Orphanet 90636, MedGen C3538946, MONDO:0010933, OMIM 600791.
EAST syndrome (SESAMES). Also called: SEIZURES, SENSORINEURAL DEAFNESS, ATAXIA, IMPAIRED INTELLECTUAL DEVELOPMENT, AND ELECTROLYTE IMBALANCE. Identifiers: Orphanet 199343, MedGen C2748572, MONDO:0013005, OMIM 612780.

Allele frequency attached by ClinVar (database versions not stated): gnomAD exomes below 0.00001.
gnomAD v4.1: 2 of 1,614,132 alleles (0.00012%); highest among the groups gnomAD compares: Non-Finnish European, 0.00017%; no homozygotes.

Submissions (3):

Labcorp Genetics (formerly Invitae), Labcorp
Classification: Likely benign for EAST syndrome. Last evaluated: 2026-02-01. Review status: criteria provided, single submitter. Criteria: Invitae Variant Classification Sherloc (09022015). Collection method: clinical testing. Allele origin: germline.

Fulgent Genetics
Classification: Uncertain significance for Autosomal recessive nonsyndromic hearing loss 4; EAST syndrome. Last evaluated: 2024-02-19. Review status: criteria provided, single submitter. Criteria: ACMG Guidelines, 2015. Collection method: clinical testing. Allele origin: germline.

GeneDx
Classification: Likely benign. Last evaluated: 2016-09-08. Review status: criteria provided, single submitter. Criteria: GeneDx Variant Classification (06012015). Collection method: clinical testing. Allele origin: germline. Affected: yes.
Comment: This variant is considered likely benign or benign based on one or more of the following criteria: it is a conservative change, it occurs at a poorly conserved position in the protein, it is predicted to be benign by multiple in silico algorithms, and/or has population frequency not consistent with disease.

NM_002241.5(KCNJ10):c.147C>T (p.Phe49=)

Gene: KCNJ10 (potassium inwardly rectifying channel subfamily J member 10; minus strand). Cytogenetic location: 1q23.2.
Variant type: single nucleotide variant.
Coding change: c.147C>T on transcript NM_002241.5 (MANE Select); coding-DNA position 147, C replaced by T.
Protein change: p.Phe49=; no amino-acid change (phenylalanine 49 retained).
Molecular consequence: synonymous variant.
Genome position (GRCh38, 1-based): chr1:160,042,386, G>A on the plus strand (C>T on the coding strand, the complement: KCNJ10 is on the minus strand). VCF-style: chr1-160042386-G-A. GRCh37 (hg19) VCF-style: chr1-160012176-G-A.
Identifiers: ClinVar variation 389209 (VCV000389209.3), dbSNP rs1057523361, ClinGen allele CA16603479.